The following is an entry in ClinVar:

ClinVar aggregate classification (germline): Pathogenic. Review status: criteria provided, multiple submitters, no conflicts (2 of 4 stars). 6 submissions from 6 submitters: Pathogenic (4). 2 of the submissions do not count toward it. Last evaluated 2023-05-22.

Conditions:
Angelman syndrome (AS). Also called: HAPPY PUPPET SYNDROME. Identifiers: Orphanet 72, MedGen C0162635, MONDO:0007113, OMIM 105830. Disease mechanism: loss of function. Inheritance: imprinting disorder, AS is caused by disruption of maternally imprinted UBE3A located within the 15q11.2-q13 Angelman syndrome/Prader-Willi syndrome (AS/PWS) region..

Submissions (6):

GeneDx
Classification: Pathogenic. Last evaluated: 2023-05-22. Review status: criteria provided, single submitter. Criteria: GeneDx Variant Classification Process June 2021. Collection method: clinical testing. Allele origin: germline. Affected: yes.
Comment: Frameshift variant predicted to result in protein truncation or nonsense mediated decay in a gene for which loss of function is a known mechanism of disease; Not observed at significant frequency in large population cohorts (gnomAD); This variant is associated with the following publications: (PMID: 15054837, 26457786, 9887341, 8988172, 25212744, 33176815, 9600250)

MGZ Medical Genetics Center
Classification: Pathogenic for Angelman syndrome. Last evaluated: 2021-10-22. Review status: criteria provided, single submitter. Criteria: ACMG Guidelines, 2015. Collection method: clinical testing. Allele origin: germline. Affected: yes. Observed: 1 variant allele.
Comment: ACMG criteria applied: PVS1, PS2, PM2_SUP

Labcorp Genetics (formerly Invitae), Labcorp
Classification: Pathogenic for Angelman syndrome. Last evaluated: 2021-01-15. Review status: criteria provided, single submitter. Criteria: Invitae Variant Classification Sherloc (09022015). Collection method: clinical testing. Allele origin: germline.
Comment: This variant is not present in population databases (ExAC no frequency). For these reasons, this variant has been classified as Pathogenic. This variant has been observed in individual(s) with Angelman syndrome (PMID: 8988172, 9600250). This sequence change creates a premature translational stop signal (p.Asn450Glnfs*23) in the UBE3A gene. It is expected to result in an absent or disrupted protein product. Loss-of-function variants in UBE3A are known to be pathogenic (PMID: 25212744).

Genetic Services Laboratory, University of Chicago
Classification: Pathogenic for Angelman syndrome. Last evaluated: 2014-01-31. Review status: criteria provided, single submitter. Criteria: ACMG Guidelines, 2007. Collection method: clinical testing. Allele origin: germline. Inheritance: Autosomal dominant inheritance. Affected: yes.

Department of Rehabilitation, Anhui Provincial Children's Hospital
Classification: Pathogenic for Angelman syndrome. Last evaluated: 2022-11-21. Review status: no assertion criteria provided. Collection method: clinical testing. Allele origin: de novo. Affected: yes. Not counted in ClinVar's aggregate classification.
Comment: The c.1407_1408del variant in the UBE3A gene is a frameshift mutation that may result in premature termination of the polypeptide chain, thereby affecting gene function.

OMIM
Classification: Pathogenic for ANGELMAN SYNDROME. Last evaluated: 1998-04-01. Review status: no assertion criteria provided. Collection method: literature only. Allele origin: germline. Not counted in ClinVar's aggregate classification.

Literature cited by the submitters: PubMed 8988172 (cited by Labcorp Genetics (formerly Invitae), Labcorp and OMIM); PubMed 9600250 (cited by Labcorp Genetics (formerly Invitae), Labcorp and OMIM); PubMed 25212744 (cited by Labcorp Genetics (formerly Invitae), Labcorp).

NM_130839.5(UBE3A):c.1407_1408del (p.Asn470fs)

Genes: SNHG14 (small nucleolar RNA host gene 14; plus strand), UBE3A (ubiquitin protein ligase E3A; minus strand). Cytogenetic location: 15q11.2.
Variant type: Microsatellite.
Coding change: c.1407_1408del on transcript NM_130839.5 (MANE Select); coding-DNA positions 1407 to 1408, 2 bases deleted (GA; older notation c.1407_1408delGA).
Protein change: p.Asn470fs; shifts the reading frame from asparagine 470.
Molecular consequence: frameshift variant. On other transcripts: non-coding transcript variant (1), intron variant (2).
Genome position (GRCh38, 1-based): chr15:25,370,766-25,370,767, TC deleted on the plus strand (GA on the coding strand, the reverse complement: UBE3A is on the minus strand); deleting any 2 consecutive bases within chr15:25,370,766-25,370,770 gives the same sequence; the c. name uses the placement nearest the transcript's 3' end. VCF-style (leftmost placement, unchanged base first): chr15-25370765-TTC-T. GRCh37 (hg19) VCF-style: chr15-25615912-TTC-T.
Other names: c.1344_1345del (U84404.1); c.1416_1417del, p.Asn473fs (NM_000462.5); c.1407_1408del, p.Asn470fs (NM_001354505.1, NM_001354538.2, NM_001354545.2); c.1347_1348del, p.Asn450fs (NM_001354506.2, NM_001354507.2, NM_001354508.2 and 17 more transcripts); c.1230_1231del, p.Asn411fs (NM_001354546.2); c.301+4698_301+4699del (NM_001354551.2); c.361+4698_361+4699del (NM_001354550.2); short protein forms N411fs, N470fs, N473fs, N450fs.
Identifiers: ClinVar variation 160203 (VCV000160203.16), dbSNP rs587784512, ClinGen allele CA333520.